The following is an entry in ClinVar:

ClinVar aggregate classification (germline): Pathogenic. Review status: criteria provided, multiple submitters, no conflicts (2 of 4 stars). 2 submissions from 2 submitters: Pathogenic (2). Last evaluated 2022-07-13.

Conditions:
Hereditary hemorrhagic telangiectasia (HHT). Also called: ORW DISEASE; Osler Weber Rendu syndrome; OSLER-RENDU-WEBER DISEASE; Osler hemorrhagic telangiectasia syndrome. Identifiers: Orphanet 774, MedGen C0039445, MONDO:0019180. Disease mechanism: loss of function.

Submissions (2):

Labcorp Genetics (formerly Invitae), Labcorp
Classification: Pathogenic for Hereditary hemorrhagic telangiectasia. Last evaluated: 2022-07-13. Review status: criteria provided, single submitter. Criteria: Invitae Variant Classification Sherloc (09022015). Collection method: clinical testing. Allele origin: germline.
Comment: ClinVar contains an entry for this variant (Variation ID: 593503). For these reasons, this variant has been classified as Pathogenic. Algorithms developed to predict the effect of sequence changes on RNA splicing suggest that this variant may disrupt the consensus splice site. Disruption of this splice site has been observed in individuals with hereditary hemorrhagic telangiectasia (PMID: 10625079, 22991266). This variant is not present in population databases (gnomAD no frequency). This sequence change affects an acceptor splice site in intron 5 of the ENG gene. It is expected to disrupt RNA splicing. Variants that disrupt the donor or acceptor splice site typically lead to a loss of protein function (PMID: 16199547), and loss-of-function variants in ENG are known to be pathogenic (PMID: 15879500).

Eurofins Ntd Llc (ga)
Classification: Pathogenic. Last evaluated: 2017-08-23. Review status: criteria provided, single submitter. Criteria: EGL Classification Definitions 2015. Collection method: clinical testing. Allele origin: germline. Observed: 1 variant allele, 1 heterozygote.

Literature cited by the submitters: PubMed 10625079 (cited by Labcorp Genetics (formerly Invitae), Labcorp); PubMed 22991266 (cited by Labcorp Genetics (formerly Invitae), Labcorp); PubMed 16199547 (cited by Labcorp Genetics (formerly Invitae), Labcorp); PubMed 15879500 (cited by Labcorp Genetics (formerly Invitae), Labcorp).

NM_001114753.3(ENG):c.690-2A>T

Gene: ENG (endoglin; minus strand). Cytogenetic location: 9q34.11.
Variant type: single nucleotide variant.
Coding change: c.690-2A>T on transcript NM_001114753.3 (MANE Select); the canonical splice acceptor site of the intron before coding-DNA position 690, A replaced by T.
Molecular consequence: splice acceptor variant.
Genome position (GRCh38, 1-based): chr9:127,825,359, T>A on the plus strand (A>T on the coding strand, the complement: ENG is on the minus strand). VCF-style: chr9-127825359-T-A. GRCh37 (hg19) VCF-style: chr9-130587638-T-A.
Other names: c.690-2A>T (NM_000118.4, NM_001406715.1); c.144-2A>T (NM_001278138.2).
Identifiers: ClinVar variation 593503 (VCV000593503.15), dbSNP rs1564455970, ClinGen allele CA374983469.
Genomic context (GRCh38, chr9:127,825,359, plus strand): 5'-CGGCATCGAGATCCCCGGGTGCGCAGCTCAGTTCCACCTTCACCGTCACCGTCCGGGGCC[T>A]GCGGGGAGACAGACGCGGATGGAACACTGAAGCGGACAGGCCAGGCGGGGAGCGAGGCCT-3'